The following is an entry in ClinVar:

ClinVar aggregate classification (germline): Uncertain significance. Review status: criteria provided, multiple submitters, no conflicts (2 of 4 stars). 2 submissions from 2 submitters: Uncertain significance (2). Last evaluated 2025-02-24.

Conditions:
Inborn genetic diseases. Identifiers: MedGen C0950123, MeSH D030342.

Allele frequency attached by ClinVar (database versions not stated): ExAC 0.00001; gnomAD 0.00001; gnomAD exomes 0.00001; TOPMed 0.00003.
gnomAD v4.1: 23 of 1,602,682 alleles (0.0014%); highest among the groups gnomAD compares: Admixed American, 0.0033%; no homozygotes.

Submissions (2):

Labcorp Genetics (formerly Invitae), Labcorp
Classification: Uncertain significance. Last evaluated: 2025-02-24. Review status: criteria provided, single submitter. Criteria: Invitae Variant Classification Sherloc (09022015). Collection method: clinical testing. Allele origin: germline.
Comment: This sequence change replaces glutamine, which is neutral and polar, with histidine, which is basic and polar, at codon 275 of the HACE1 protein (p.Gln275His). This variant is present in population databases (rs776965042, gnomAD 0.0009%). This variant has not been reported in the literature in individuals affected with HACE1-related conditions. ClinVar contains an entry for this variant (Variation ID: 2196015). Invitae Evidence Modeling of protein sequence and biophysical properties (such as structural, functional, and spatial information, amino acid conservation, physicochemical variation, residue mobility, and thermodynamic stability) indicates that this missense variant is not expected to disrupt HACE1 protein function with a negative predictive value of 80%. In summary, the available evidence is currently insufficient to determine the role of this variant in disease. Therefore, it has been classified as a Variant of Uncertain Significance.

Ambry Genetics
Classification: Uncertain significance for Inborn genetic diseases. Last evaluated: 2024-06-16. Review status: criteria provided, single submitter. Criteria: Ambry Variant Classification Scheme 2023. Collection method: clinical testing. Allele origin: germline.

NM_020771.4(HACE1):c.825A>C (p.Gln275His)

Gene: HACE1 (HECT domain and ankyrin repeat containing E3 ubiquitin protein ligase 1; minus strand). Cytogenetic location: 6q16.3.
Variant type: single nucleotide variant.
Coding change: c.825A>C on transcript NM_020771.4 (MANE Select); coding-DNA position 825, A replaced by C.
Protein change: p.Gln275His; replaces glutamine 275 with histidine.
Molecular consequence: missense variant. On other transcripts: non-coding transcript variant (7).
Genome position (GRCh38, 1-based): chr6:104,795,677, T>G on the plus strand (A>C on the coding strand, the complement: HACE1 is on the minus strand). VCF-style: chr6-104795677-T-G. GRCh37 (hg19) VCF-style: chr6-105243552-T-G.
Other names: c.693A>C, p.Gln231His (NM_001321080.2); c.723A>C, p.Gln241His (NM_001321083.2); c.321A>C, p.Gln107His (NM_001321084.2, NM_001350557.2, NM_001350558.2); c.591A>C, p.Gln197His (NM_001350554.2); c.534A>C, p.Gln178His (NM_001350555.2); c.339A>C, p.Gln113His (NM_001350556.2); c.243A>C, p.Gln81His (NM_001350559.2); c.42A>C, p.Gln14His (NM_001350560.2); and 1 more; short protein forms Q113H, Q14H, Q231H, Q81H, Q275H, Q107H, Q178H, Q197H.
Identifiers: ClinVar variation 2196015 (VCV002196015.5), dbSNP rs776965042, ClinGen allele CA3940413.